The following is an entry in ClinVar:

NM_021813.4(BACH2):c.2132A>G (p.Gln711Arg)

Gene: BACH2 (BACH transcriptional regulator 2; minus strand). Cytogenetic location: 6q15.
Variant type: single nucleotide variant.
Coding change: c.2132A>G on transcript NM_021813.4 (MANE Select); coding-DNA position 2132, A replaced by G.
Protein change: p.Gln711Arg; replaces glutamine 711 with arginine.
Molecular consequence: missense variant.
Genome position (GRCh38, 1-based): chr6:89,932,802, T>C on the plus strand (A>G on the coding strand, the complement: BACH2 is on the minus strand). VCF-style: chr6-89932802-T-C. GRCh37 (hg19) VCF-style: chr6-90642521-T-C.
Other names: c.2132A>G, p.Gln711Arg (NM_001170794.2); c.2132A>G (NM_021813.2); short protein forms Q711R.
Identifiers: ClinVar variation 1477072 (VCV001477072.10), dbSNP rs773619776, ClinGen allele CA143034509.

ClinVar aggregate classification (germline): Uncertain significance. Review status: criteria provided, multiple submitters, no conflicts (2 of 4 stars). 3 submissions from 3 submitters: Uncertain significance (3). Last evaluated 2025-03-19.

Allele frequency attached by ClinVar (database versions not stated): gnomAD exomes below 0.00001 and 0.00002; TOPMed 0.00001; gnomAD 0.00002.
gnomAD v4.1: 12 of 1,613,472 alleles (0.00074%); highest among the groups gnomAD compares: Non-Finnish European, 0.00076%; no homozygotes.

Submissions (3):

Labcorp Genetics (formerly Invitae), Labcorp
Classification: Uncertain significance. Last evaluated: 2025-03-19. Review status: criteria provided, single submitter. Criteria: Invitae Variant Classification Sherloc (09022015). Collection method: clinical testing. Allele origin: germline.
Comment: This sequence change replaces glutamine, which is neutral and polar, with arginine, which is basic and polar, at codon 711 of the BACH2 protein (p.Gln711Arg). This variant is present in population databases (rs773619776, gnomAD 0.004%). This variant has not been reported in the literature in individuals affected with BACH2-related conditions. ClinVar contains an entry for this variant (Variation ID: 1477072). Invitae Evidence Modeling of protein sequence and biophysical properties (such as structural, functional, and spatial information, amino acid conservation, physicochemical variation, residue mobility, and thermodynamic stability) indicates that this missense variant is not expected to disrupt BACH2 protein function with a negative predictive value of 80%. In summary, the available evidence is currently insufficient to determine the role of this variant in disease. Therefore, it has been classified as a Variant of Uncertain Significance.

Blueprint Genetics
Classification: Uncertain significance. Last evaluated: 2024-04-11. Review status: criteria provided, single submitter. Criteria: ACMG Guidelines, 2015. Collection method: clinical testing. Allele origin: germline.

Ambry Genetics
Classification: Uncertain significance. Last evaluated: 2023-02-15. Review status: criteria provided, single submitter. Criteria: Ambry Variant Classification Scheme 2023. Collection method: clinical testing. Allele origin: germline.